The following is an entry in ClinVar:

ClinVar aggregate classification (germline): Uncertain significance (1 of 4 stars; one submission).

Conditions:
Ataxia-telangiectasia syndrome (AT). Also called: Ataxia telangiectasia (A-T); ATAXIA-TELANGIECTASIA, COMPLEMENTATION GROUP A; ATAXIA-TELANGIECTASIA, FRESNO VARIANT; Ataxia-telangiectasia; Ataxia-telangiectasia, complementation group E; LOUIS-BAR SYNDROME. Identifiers: Orphanet 100, MedGen C0004135, MONDO:0008840, OMIM 208900.

Submission:

Labcorp Genetics (formerly Invitae), Labcorp
Classification: Uncertain significance for Ataxia-telangiectasia syndrome. Last evaluated: 2021-07-14. Review status: criteria provided, single submitter. Criteria: Invitae Variant Classification Sherloc (09022015). Collection method: clinical testing. Allele origin: germline.
Comment: ClinVar contains an entry for this variant (Variation ID: 1010787). In summary, the available evidence is currently insufficient to determine the role of this variant in disease. Therefore, it has been classified as a Variant of Uncertain Significance. Algorithms developed to predict the effect of missense changes on protein structure and function (SIFT, PolyPhen-2, Align-GVGD) all suggest that this variant is likely to be tolerated. This variant has not been reported in the literature in individuals affected with ATM-related conditions. This variant is not present in population databases (ExAC no frequency). This sequence change replaces arginine with serine at codon 2973 of the ATM protein (p.Arg2973Ser). The arginine residue is weakly conserved and there is a moderate physicochemical difference between arginine and serine.

NM_000051.4(ATM):c.8919G>T (p.Arg2973Ser)

Genes: ATM (ATM serine/threonine kinase; plus strand), C11orf65 (chromosome 11 open reading frame 65; minus strand). Cytogenetic location: 11q22.3.
Variant type: single nucleotide variant.
Coding change: c.8919G>T on transcript NM_000051.4 (MANE Select); coding-DNA position 8919, G replaced by T.
Protein change: p.Arg2973Ser; replaces arginine 2973 with serine.
Molecular consequence: missense variant. On other transcripts: intron variant (2).
Genome position (GRCh38, 1-based): chr11:108,365,150, G>T. VCF-style: chr11-108365150-G-T. GRCh37 (hg19) VCF-style: chr11-108235877-G-T.
Other names: c.8919G>T, p.Arg2973Ser (NM_001351834.2); c.640+20770C>A (NM_001330368.2); c.694+20770C>A (NM_001351110.2); short protein forms R2973S.
Identifiers: ClinVar variation 1010787 (VCV001010787.9), dbSNP rs786203613, ClinGen allele CA382529945.